The following is an entry in ClinVar:

NM_025137.4(SPG11):c.6658_6659del (p.Met2220fs)

Gene: SPG11 (SPG11 vesicle trafficking associated, spatacsin; minus strand). Cytogenetic location: 15q21.1.
Variant type: Microsatellite.
Coding change: c.6658_6659del on transcript NM_025137.4 (MANE Select); coding-DNA positions 6658 to 6659, 2 bases deleted (AT; older notation c.6658_6659delAT).
Protein change: p.Met2220fs; shifts the reading frame from methionine 2220.
Molecular consequence: frameshift variant.
Genome position (GRCh38, 1-based): chr15:44,567,519-44,567,520, AT deleted on the plus strand (AT on the coding strand, the reverse complement: SPG11 is on the minus strand); deleting any 2 consecutive bases within chr15:44,567,519-44,567,522 gives the same sequence; the c. name uses the placement nearest the transcript's 3' end. VCF-style (leftmost placement, unchanged base first): chr15-44567518-CAT-C. GRCh37 (hg19) VCF-style: chr15-44859716-CAT-C.
Other names: c.6319_6320del, p.Met2107fs (NM_001160227.2); c.6514_6515del, p.Met2172fs (NM_001411132.1); short protein forms M2172fs, M2107fs, M2220fs.
Identifiers: ClinVar variation 2736190 (VCV002736190.3), dbSNP rs1567127243, ClinGen allele CA618006038.

ClinVar aggregate classification (germline): Pathogenic (1 of 4 stars; one submission).

Conditions:
Hereditary spastic paraplegia 11. Also called: Spastic Paraplegia 11; Spastic paraplegia, mental retardation and thin corpus callosum; SPASTIC PARAPLEGIA, AUTOSOMAL RECESSIVE, COMPLICATED, WITH THIN CORPUS CALLOSUM; SPASTIC PARAPLEGIA, AUTOSOMAL RECESSIVE, WITH MENTAL IMPAIRMENT AND THIN CORPUS CALLOSUM; Nakamura Osame syndrome; Autosomal recessive hereditary spastic paraplegia, mental impairment, and thin corpus callosum. Identifiers: Orphanet 2822, MedGen C1858479, MONDO:0011445, OMIM 604360.

Submission:

Labcorp Genetics (formerly Invitae), Labcorp
Classification: Pathogenic for Hereditary spastic paraplegia 11. Last evaluated: 2025-04-30. Review status: criteria provided, single submitter. Criteria: Invitae Variant Classification Sherloc (09022015). Collection method: clinical testing. Allele origin: germline.
Comment: This sequence change creates a premature translational stop signal (p.Met2220Aspfs*27) in the SPG11 gene. It is expected to result in an absent or disrupted protein product. Loss-of-function variants in SPG11 are known to be pathogenic (PMID: 19105190, 20110243, 22154821, 26556829). This variant is present in population databases (no rsID available, gnomAD 0.003%). This premature translational stop signal has been observed in individual(s) with hereditary spastic paraplegia (PMID: 27217339, 27544499). For these reasons, this variant has been classified as Pathogenic.

Literature cited by the submitters: PubMed 19105190; PubMed 20110243; PubMed 22154821; PubMed 26556829; PubMed 27217339; PubMed 27544499.